The following is an entry in ClinVar:

NM_000255.4(MMUT):c.1814A>G (p.His605Arg)

Gene: MMUT (methylmalonyl-CoA mutase; minus strand). Cytogenetic location: 6p12.3.
Variant type: single nucleotide variant.
Coding change: c.1814A>G on transcript NM_000255.4 (MANE Select); coding-DNA position 1814, A replaced by G.
Protein change: p.His605Arg; replaces histidine 605 with arginine.
Molecular consequence: missense variant.
Genome position (GRCh38, 1-based): chr6:49,440,348, T>C on the plus strand (A>G on the coding strand, the complement: MMUT is on the minus strand). VCF-style: chr6-49440348-T-C. GRCh37 (hg19) VCF-style: chr6-49408061-T-C.
Other names: c.1814A>G (NM_000255.3); short protein forms H605R.
Identifiers: ClinVar variation 2200554 (VCV002200554.3), dbSNP rs755256821, ClinGen allele CA3846727.

ClinVar aggregate classification (germline): Uncertain significance. Review status: criteria provided, multiple submitters, no conflicts (2 of 4 stars). 3 submissions from 3 submitters: Uncertain significance (2). 1 of the submissions does not count toward it. Last evaluated 2022-05-10.

Conditions:
MMUT-related disorder. Also called: MMUT-related condition.

Allele frequency attached by ClinVar (database versions not stated): TOPMed below 0.00001; ExAC 0.00001; gnomAD exomes 0.00001.
gnomAD v4.1: 7 of 1,613,904 alleles (0.00043%); highest among the groups gnomAD compares: Non-Finnish European, 0.00059%; no homozygotes.

Submissions (3):

Ambry Genetics
Classification: Uncertain significance. Last evaluated: 2022-05-10. Review status: criteria provided, single submitter. Criteria: Ambry Variant Classification Scheme 2023. Collection method: clinical testing. Allele origin: germline.

Labcorp Genetics (formerly Invitae), Labcorp
Classification: Uncertain significance. Last evaluated: 2021-09-01. Review status: criteria provided, single submitter. Criteria: Invitae Variant Classification Sherloc (09022015). Collection method: clinical testing. Allele origin: germline.
Comment: This sequence change replaces histidine with arginine at codon 605 of the MUT protein (p.His605Arg). The histidine residue is weakly conserved and there is a small physicochemical difference between histidine and arginine. This variant is present in population databases (rs755256821, ExAC 0.002%). This variant has not been reported in the literature in individuals affected with MUT-related conditions. Algorithms developed to predict the effect of missense changes on protein structure and function (SIFT, PolyPhen-2, Align-GVGD) all suggest that this variant is likely to be tolerated. In summary, the available evidence is currently insufficient to determine the role of this variant in disease. Therefore, it has been classified as a Variant of Uncertain Significance.

PreventionGenetics, part of Exact Sciences
Classification: Uncertain significance for MMUT-related condition. Last evaluated: 2024-03-26. Review status: no assertion criteria provided. Collection method: clinical testing. Allele origin: germline. Not counted in ClinVar's aggregate classification.
Comment: The MMUT c.1814A>G variant is predicted to result in the amino acid substitution p.His605Arg. To our knowledge, this variant has not been reported in the literature. This variant is reported in 0.0026% of alleles in individuals of European (Non-Finnish) descent in gnomAD. At this time, the clinical significance of this variant is uncertain due to the absence of conclusive functional and genetic evidence.